The following is an entry in ClinVar:

ClinVar aggregate classification (germline): Uncertain significance (1 of 4 stars; one submission).

Conditions:
Cardiovascular phenotype. Identifiers: MedGen CN230736.

Submission:

Ambry Genetics
Classification: Uncertain significance for Cardiovascular phenotype. Last evaluated: 2026-08-27. Review status: criteria provided, single submitter. Criteria: Ambry Variant Classification Scheme 2023. Collection method: clinical testing. Allele origin: germline.
Comment: The p.K247N variant (also known as c.741G>T), located in coding exon 5 of the LAMP2 gene, results from a G to T substitution at nucleotide position 741. The amino acid change results in lysine to asparagine at codon 247, an amino acid with similar properties. However, this change occurs in the last base pair of coding exon 5, which makes it likely to have some effect on normal mRNA splicing. This nucleotide position is highly conserved in available vertebrate species. This amino acid position is highly conserved in available vertebrate species. In silico splice site analysis predicts that this alteration will weaken the native splice donor site and will result in the creation or strengthening of a novel splice donor site. In addition, as a missense substitution this is predicted to be tolerated by in silico analysis. Based on the available evidence, the clinical significance of this variant remains unclear.

NM_002294.3(LAMP2):c.741G>T (p.Lys247Asn)

Gene: LAMP2 (lysosome associated membrane protein 2; minus strand). Cytogenetic location: Xq24.
Variant type: single nucleotide variant.
Coding change: c.741G>T on transcript NM_002294.3 (MANE Select); coding-DNA position 741, G replaced by T.
Protein change: p.Lys247Asn; replaces lysine 247 with asparagine.
Molecular consequence: missense variant.
Genome position (GRCh38, 1-based): chrX:120,447,841, C>A on the plus strand (G>T on the coding strand, the complement: LAMP2 is on the minus strand). VCF-style: chrX-120447841-C-A. GRCh37 (hg19) VCF-style: chrX-119581696-C-A.
Other names: c.741G>T, p.Lys247Asn (NM_001122606.1, NM_013995.2); short protein forms K247N.
Identifiers: ClinVar variation 518799 (VCV000518799.6), dbSNP rs1556101296, ClinGen allele CA414401139.